The following is an entry in ClinVar:

NM_001999.4(FBN2):c.4346-2A>G

Gene: FBN2 (fibrillin 2; minus strand). Cytogenetic location: 5q23.3.
Variant type: single nucleotide variant.
Coding change: c.4346-2A>G on transcript NM_001999.4 (MANE Select); the canonical splice acceptor site of the intron before coding-DNA position 4346, A replaced by G.
Molecular consequence: splice acceptor variant.
Genome position (GRCh38, 1-based): chr5:128,328,823, T>C on the plus strand (A>G on the coding strand, the complement: FBN2 is on the minus strand). VCF-style: chr5-128328823-T-C. GRCh37 (hg19) VCF-style: chr5-127664515-T-C.
Identifiers: ClinVar variation 957340 (VCV000957340.8), dbSNP rs587776518, ClinGen allele CA360753367.

ClinVar aggregate classification (germline): Pathogenic (1 of 4 stars; one submission).

Conditions:
Congenital contractural arachnodactyly (CCA). Also called: BEALS SYNDROME; Beals-Hecht syndrome; Arthrogryposis, distal, type 9. Identifiers: Orphanet 115, MedGen C0220668, MONDO:0007363, OMIM 121050.

Submission:

Labcorp Genetics (formerly Invitae), Labcorp
Classification: Pathogenic for Congenital contractural arachnodactyly. Last evaluated: 2020-02-24. Review status: criteria provided, single submitter. Criteria: Invitae Variant Classification Sherloc (09022015). Collection method: clinical testing. Allele origin: germline.
Comment: This sequence change affects an acceptor splice site in intron 33 of the FBN2 gene. It is expected to disrupt RNA splicing and likely results in an absent or disrupted protein product. This variant is not present in population databases (ExAC no frequency). Disruption of this splice site has been observed in individual(s) with clinical features of FBN2-related conditions (PMID: 8900230, Invitae). Experimental studies have shown that this variant disrupts mRNA splicing (PMID: 8900230). This variant affects cysteine residues located within an epidermal growth factor (EGF)–like domain of the FBN2 protein. Cysteine residues in these domains are involved in the formation of disulfide bridges critical for protein structure and stability (PMID: 3495735, 4750422, 16677079). In addition, missense substitutions within the FBN2 EGF-like domains affecting cysteine residues are overrepresented in patients with congenital contractural arachnodactyly (PMID: 18767143). For these reasons, this variant has been classified as Pathogenic.

Literature cited by the submitters: PubMed 8900230; PubMed 3495735; PubMed 4750422; PubMed 16677079; PubMed 18767143.